The following is an entry in ClinVar:

NM_002755.4(MAP2K1):c.763G>A (p.Glu255Lys)

Gene: MAP2K1 (mitogen-activated protein kinase kinase 1; plus strand). Cytogenetic location: 15q22.31.
Variant type: single nucleotide variant.
Coding change: c.763G>A on transcript NM_002755.4 (MANE Select); coding-DNA position 763, G replaced by A.
Protein change: p.Glu255Lys; replaces glutamic acid 255 with lysine.
Molecular consequence: missense variant.
Genome position (GRCh38, 1-based): chr15:66,485,059, G>A. VCF-style: chr15-66485059-G-A. GRCh37 (hg19) VCF-style: chr15-66777397-G-A.
Other names: short protein forms E255K.
Identifiers: ClinVar variation 1318907 (VCV001318907.2), dbSNP rs760016123, ClinGen allele CA392937072.

ClinVar aggregate classification (germline): Uncertain significance (1 of 4 stars; one submission).

Submission:

GeneDx
Classification: Uncertain significance. Last evaluated: 2021-01-04. Review status: criteria provided, single submitter. Criteria: GeneDx Variant Classification Process June 2021. Collection method: clinical testing. Allele origin: germline. Affected: yes.
Comment: Has not been previously published as pathogenic or benign to our knowledge; Not observed in large population cohorts (Lek et al., 2016); In silico analysis supports that this missense variant has a deleterious effect on protein structure/function; Missense variants in this gene are often considered pathogenic (Stenson et al., 2014)